The following is an entry in ClinVar:

ClinVar aggregate classification (germline): Likely benign. Review status: criteria provided, multiple submitters, no conflicts (2 of 4 stars). 2 submissions from 2 submitters: Likely benign (2). Last evaluated 2024-12-24.

Conditions:
Pitt-Hopkins syndrome (PTHS). Also called: ENCEPHALOPATHY, SEVERE EPILEPTIC, WITH AUTONOMIC DYSFUNCTION; MENTAL RETARDATION, SYNDROMAL, WITH INTERMITTENT HYPERVENTILATION. Identifiers: Orphanet 2896, MedGen C1970431, MONDO:0012589, OMIM 610954.

Allele frequency attached by ClinVar (database versions not stated): TOPMed below 0.00001; gnomAD exomes 0.00001.
gnomAD v4.1: 15 of 1,613,762 alleles (0.00093%); highest among the groups gnomAD compares: Non-Finnish European, 0.0013%; no homozygotes.

Submissions (2):

Labcorp Genetics (formerly Invitae), Labcorp
Classification: Likely benign for Pitt-Hopkins syndrome. Last evaluated: 2024-12-24. Review status: criteria provided, single submitter. Criteria: Invitae Variant Classification Sherloc (09022015). Collection method: clinical testing. Allele origin: germline.

GeneDx
Classification: Likely benign. Last evaluated: 2016-12-21. Review status: criteria provided, single submitter. Criteria: GeneDx Variant Classification (06012015). Collection method: clinical testing. Allele origin: germline. Affected: yes.
Comment: This variant is considered likely benign or benign based on one or more of the following criteria: it is a conservative change, it occurs at a poorly conserved position in the protein, it is predicted to be benign by multiple in silico algorithms, and/or has population frequency not consistent with disease.

NM_001083962.2(TCF4):c.1879+13C>T

Gene: TCF4 (transcription factor 4; minus strand). Cytogenetic location: 18q21.2.
Variant type: single nucleotide variant.
Coding change: c.1879+13C>T on transcript NM_001083962.2 (MANE Select); 13 bases into the intron after coding-DNA position 1879, C replaced by T.
Molecular consequence: intron variant.
Genome position (GRCh38, 1-based): chr18:55,228,834, G>A on the plus strand (C>T on the coding strand, the complement: TCF4 is on the minus strand). VCF-style: chr18-55228834-G-A. GRCh37 (hg19) VCF-style: chr18-52896065-G-A.
Other names: c.1792+13C>T (NM_001348220.1, NM_001369584.1, NM_001369585.1); c.1795+13C>T (NM_001306207.1, NM_001369582.1, NM_001369583.1 and 1 more transcripts); c.2185+13C>T (NM_001243226.3); c.1807+13C>T (NM_001348217.1, NM_001243227.2, NM_001369575.1 and 1 more transcripts); c.1654+13C>T (NM_001306208.1); c.1804+13C>T (NM_001369576.1, NM_001369577.1, NM_001369578.1 and 3 more transcripts); c.1666+13C>T (NM_001243232.1); c.1810+13C>T (NM_001369586.1); and 14 more.
Identifiers: ClinVar variation 392018 (VCV000392018.3), dbSNP rs1057524324, ClinGen allele CA16607613.